The following is an entry in ClinVar:

NM_000368.5(TSC1):c.2848G>A (p.Ala950Thr)

Gene: TSC1 (TSC complex subunit 1; minus strand). Cytogenetic location: 9q34.13.
Variant type: single nucleotide variant.
Coding change: c.2848G>A on transcript NM_000368.5 (MANE Select); coding-DNA position 2848, G replaced by A.
Protein change: p.Ala950Thr; replaces alanine 950 with threonine.
Molecular consequence: missense variant.
Genome position (GRCh38, 1-based): chr9:132,897,311, C>T on the plus strand (G>A on the coding strand, the complement: TSC1 is on the minus strand). VCF-style: chr9-132897311-C-T. GRCh37 (hg19) VCF-style: chr9-135772698-C-T.
Other names: c.2833G>A, p.Ala945Thr (NM_001406602.1, NM_001406601.1); c.2830G>A, p.Ala944Thr (NM_001406603.1, NM_001406604.1); c.2806G>A, p.Ala936Thr (NM_001406605.1, NM_001406606.1, NM_001406607.1); c.2803G>A, p.Ala935Thr (NM_001406608.1, NM_001406609.1); c.2695G>A, p.Ala899Thr (NM_001406610.1, NM_001162427.2); c.2692G>A, p.Ala898Thr (NM_001406611.1, NM_001406612.1); c.2482G>A, p.Ala828Thr (NM_001406621.1, NM_001406622.1, NM_001406623.1 and 1 more transcripts); c.2443G>A, p.Ala815Thr (NM_001406624.1); and 8 more; short protein forms A599T, A632T, A815T, A899T, A936T, A814T, A633T, A829T.
Identifiers: ClinVar variation 2116691 (VCV002116691.5), dbSNP rs1845129427, ClinGen allele CA375368878.

ClinVar aggregate classification (germline): Uncertain significance. Review status: criteria provided, multiple submitters, no conflicts (2 of 4 stars). 2 submissions from 2 submitters: Uncertain significance (2). Last evaluated 2023-12-23.

Conditions:
Hereditary cancer-predisposing syndrome. Also called: Tumor predisposition; Hereditary Cancer Syndrome; Neoplastic Syndromes, Hereditary; Hereditary neoplastic syndrome. Identifiers: Orphanet 140162, MedGen C0027672, MeSH D009386, MONDO:0015356.
Tuberous sclerosis 1 (TSC1). Identifiers: Orphanet 805, MedGen C1854465, MONDO:0008612, OMIM 191100.

Submissions (2):

Labcorp Genetics (formerly Invitae), Labcorp
Classification: Uncertain significance for Tuberous sclerosis 1. Last evaluated: 2023-12-23. Review status: criteria provided, single submitter. Criteria: Invitae Variant Classification Sherloc (09022015). Collection method: clinical testing. Allele origin: germline.
Comment: This sequence change replaces alanine, which is neutral and non-polar, with threonine, which is neutral and polar, at codon 950 of the TSC1 protein (p.Ala950Thr). This variant is not present in population databases (gnomAD no frequency). This variant has not been reported in the literature in individuals affected with TSC1-related conditions. ClinVar contains an entry for this variant (Variation ID: 2116691). Advanced modeling of protein sequence and biophysical properties (such as structural, functional, and spatial information, amino acid conservation, physicochemical variation, residue mobility, and thermodynamic stability) performed at Invitae indicates that this missense variant is not expected to disrupt TSC1 protein function with a negative predictive value of 95%. In summary, the available evidence is currently insufficient to determine the role of this variant in disease. Therefore, it has been classified as a Variant of Uncertain Significance.

Ambry Genetics
Classification: Uncertain significance for Hereditary cancer-predisposing syndrome. Last evaluated: 2023-10-06. Review status: criteria provided, single submitter. Criteria: Ambry Variant Classification Scheme 2023. Collection method: clinical testing. Allele origin: germline.
Comment: The p.A950T variant (also known as c.2848G>A), located in coding exon 20 of the TSC1 gene, results from a G to A substitution at nucleotide position 2848. The alanine at codon 950 is replaced by threonine, an amino acid with similar properties. This amino acid position is conserved. In addition, this alteration is predicted to be tolerated by in silico analysis. Since supporting evidence is limited at this time, the clinical significance of this alteration remains unclear.